The following is an entry in ClinVar:

NM_007294.4(BRCA1):c.834_835insA (p.His279fs)

Gene: BRCA1 (BRCA1 DNA repair associated; minus strand). Cytogenetic location: 17q21.31.
Variant type: Insertion.
Coding change: c.834_835insA on transcript NM_007294.4 (MANE Select); coding-DNA positions 834 to 835, A inserted.
Protein change: p.His279fs; shifts the reading frame from histidine 279.
Molecular consequence: frameshift variant. On other transcripts: 5 prime UTR variant (2), intron variant (137).
Genome position: GRCh38 VCF-style: chr17-43094696-G-GT. GRCh37 (hg19) VCF-style: chr17-41246713-G-GT.
Other names: c.834_835insA, p.His279fs (NM_001407639.1, NM_001407640.1, NM_001407641.1 and 30 more transcripts); c.831_832insA, p.His278fs (NM_001407644.1, NM_001407645.1, NM_001407860.1 and 22 more transcripts); c.825_826insA, p.His276fs (NM_001407646.1, NM_001407647.1); c.711_712insA, p.His238fs (NM_001407648.1, NM_001407664.1, NM_001407665.1 and 19 more transcripts); c.708_709insA, p.His237fs (NM_001407649.1, NM_001407670.1, NM_001407671.1 and 11 more transcripts); c.756_757insA, p.His253fs (NM_001407653.1, NM_001407654.1, NM_001407655.1 and 4 more transcripts); c.753_754insA, p.His252fs (NM_001407659.1, NM_001407660.1, NM_001407661.1 and 1 more transcripts); c.693_694insA, p.His232fs (NM_001407692.1, NM_001407694.1, NM_001407695.1 and 29 more transcripts); and 40 more; short protein forms H232fs, H279fs, H151fs, H152fs, H167fs, H211fs, H231fs, H253fs.
Identifiers: ClinVar variation 548271 (VCV000548271.2), dbSNP rs1555593007, ClinGen allele CA658824552.

ClinVar aggregate classification (germline): Pathogenic (3 of 4 stars; one submission).

Conditions:
Breast-ovarian cancer, familial, susceptibility to, 1 (BROVCA1). Also called: BRCA1 Hereditary Breast and Ovarian Cancer; OVARIAN CANCER, SUSCEPTIBILITY TO. Identifiers: Orphanet 145, MedGen C2676676, MONDO:0011450, OMIM 604370. Disease mechanism: loss of function.

Submission:

Evidence-based Network for the Interpretation of Germline Mutant Alleles (ENIGMA)
Classification: Pathogenic for Breast-ovarian cancer, familial, susceptibility to, 1. Last evaluated: 2017-12-15. Review status: reviewed by expert panel. Criteria: ENIGMA BRCA1/2 Classification Criteria (2017-06-29). Collection method: curation. Allele origin: germline. Study: ENIGMA.
Comment: Variant allele predicted to encode a truncated non-functional protein.